The following is an entry in ClinVar:

ClinVar aggregate classification (germline): Uncertain significance (1 of 4 stars; one submission).

Conditions:
Frontotemporal dementia and/or amyotrophic lateral sclerosis 6 (FTDALS6). Also called: VCP-Related Amyotrophic Lateral Sclerosis/Frontotemporal Dementia; VCP-Related Amyotrophic Lateral Sclerosis. Identifiers: Orphanet 275872, Orphanet 803, MedGen C5436279, MONDO:0013501, OMIM 613954.
Inclusion body myopathy with Paget disease of bone and frontotemporal dementia. Also called: Inclusion body myopathy with early-onset Paget disease and frontotemporal dementia. Identifiers: Orphanet 52430, MedGen C1833662, MONDO:0000507.

Submission:

Labcorp Genetics (formerly Invitae), Labcorp
Classification: Uncertain significance for Inclusion body myopathy with Paget disease of bone and frontotemporal dementia; Frontotemporal dementia and/or amyotrophic lateral sclerosis 6. Last evaluated: 2022-09-01. Review status: criteria provided, single submitter. Criteria: Invitae Variant Classification Sherloc (09022015). Collection method: clinical testing. Allele origin: germline.
Comment: Algorithms developed to predict the effect of missense changes on protein structure and function are either unavailable or do not agree on the potential impact of this missense change (SIFT: "Not Available"; PolyPhen-2: "Benign"; Align-GVGD: "Not Available"). In summary, the available evidence is currently insufficient to determine the role of this variant in disease. Therefore, it has been classified as a Variant of Uncertain Significance. This variant has not been reported in the literature in individuals affected with VCP-related conditions. This variant is not present in population databases (gnomAD no frequency). This sequence change replaces threonine, which is neutral and polar, with isoleucine, which is neutral and non-polar, at codon 127 of the VCP protein (p.Thr127Ile).

NM_007126.5(VCP):c.380C>T (p.Thr127Ile)

Gene: VCP (valosin containing protein; minus strand). Cytogenetic location: 9p13.3.
Variant type: single nucleotide variant.
Coding change: c.380C>T on transcript NM_007126.5 (MANE Select); coding-DNA position 380, C replaced by T.
Protein change: p.Thr127Ile; replaces threonine 127 with isoleucine.
Molecular consequence: missense variant.
Genome position (GRCh38, 1-based): chr9:35,066,740, G>A on the plus strand (C>T on the coding strand, the complement: VCP is on the minus strand). VCF-style: chr9-35066740-G-A. GRCh37 (hg19) VCF-style: chr9-35066737-G-A.
Other names: c.245C>T, p.Thr82Ile (NM_001354927.2, NM_001354928.2); short protein forms T127I, T82I.
Identifiers: ClinVar variation 1715833 (VCV001715833.6), dbSNP rs2490370348, ClinGen allele CA373292001.